The following is an entry in ClinVar:

ClinVar aggregate classification (germline): Uncertain significance (1 of 4 stars; one submission).

Allele frequency attached by ClinVar (database versions not stated): ExAC 0.00001; gnomAD 0.00001; 1000 Genomes Project 30x 0.00016; 1000 Genomes Project 0.00020.

Submission:

Ambry Genetics
Classification: Uncertain significance. Last evaluated: 2022-05-20. Review status: criteria provided, single submitter. Criteria: Ambry Variant Classification Scheme 2023. Collection method: clinical testing. Allele origin: germline.
Comment: The c.125+3G>T intronic alteration consists of a G to T substitution 3 nucleotides after exon 2 of the LARS gene. Based on insufficient or conflicting evidence, the clinical significance of this alteration remains unclear.

NM_020117.11(LARS1):c.125+3G>T

Genes: LARS1 (leucyl-tRNA synthetase 1; minus strand), LOC129389388 (MPRA-validated peak5521 silencer; plus strand). Cytogenetic location: 5q32.
Variant type: single nucleotide variant.
Coding change: c.125+3G>T on transcript NM_020117.11 (MANE Select); 3 bases into the intron after coding-DNA position 125, G replaced by T.
Molecular consequence: intron variant.
Genome position (GRCh38, 1-based): chr5:146,177,544, C>A on the plus strand (G>T on the coding strand, the complement: LARS1 is on the minus strand). VCF-style: chr5-146177544-C-A. GRCh37 (hg19) VCF-style: chr5-145557107-C-A.
Other names: c.-37-4770G>T (NM_001317965.2); c.125+3G>T (NM_016460.4, NM_001317964.2).
Identifiers: ClinVar variation 3117882 (VCV003117882.1), dbSNP rs557231507, ClinGen allele CA3490039.